The following is an entry in ClinVar:

ClinVar aggregate classification (germline): Likely benign (1 of 4 stars; one submission).

Allele frequency attached by ClinVar (database versions not stated): TOPMed below 0.00001.
gnomAD v4.1: 3 of 1,563,908 alleles (0.00019%); highest among the groups gnomAD compares: Non-Finnish European, 0.00026%; no homozygotes.

Submission:

GeneDx
Classification: Likely benign. Last evaluated: 2018-02-16. Review status: criteria provided, single submitter. Criteria: GeneDx Variant Classification (06012015). Collection method: clinical testing. Allele origin: germline. Affected: yes.
Comment: This variant is considered likely benign or benign based on one or more of the following criteria: it is a conservative change, it occurs at a poorly conserved position in the protein, it is predicted to be benign by multiple in silico algorithms, and/or has population frequency not consistent with disease.

NM_012335.4(MYO1F):c.2745G>A (p.Val915=)

Gene: MYO1F (myosin IF; minus strand). Cytogenetic location: 19p13.2.
Variant type: single nucleotide variant.
Coding change: c.2745G>A on transcript NM_012335.4 (MANE Select); coding-DNA position 2745, G replaced by A.
Protein change: p.Val915=; no amino-acid change (valine 915 retained).
Molecular consequence: synonymous variant.
Genome position (GRCh38, 1-based): chr19:8,526,478, C>T on the plus strand (G>A on the coding strand, the complement: MYO1F is on the minus strand). VCF-style: chr19-8526478-C-T. GRCh37 (hg19) VCF-style: chr19-8591362-C-T.
Other names: c.2733G>A, p.Val911= (NM_001348355.2).
Identifiers: ClinVar variation 515162 (VCV000515162.1), dbSNP rs757976654, ClinGen allele CA505270265.